The following is an entry in ClinVar:

ClinVar aggregate classification (germline): Uncertain significance (1 of 4 stars; one submission).

Conditions:
Charcot-Marie-Tooth disease axonal type 2P. Also called: CHARCOT-MARIE-TOOTH NEUROPATHY, TYPE 2P; Charcot-Marie-Tooth Neuropathy Type 2G; CHARCOT-MARIE-TOOTH DISEASE, AXONAL, TYPE 2G; CMT 2G. Identifiers: Orphanet 300319, Orphanet 99941, MedGen C3280797, MONDO:0013753, OMIM 614436.

Allele frequency attached by ClinVar (database versions not stated): ExAC 0.00001; gnomAD exomes 0.00001; gnomAD 0.00002.

Submission:

Labcorp Genetics (formerly Invitae), Labcorp
Classification: Uncertain significance for Charcot-Marie-Tooth disease axonal type 2P. Last evaluated: 2024-06-15. Review status: criteria provided, single submitter. Criteria: Invitae Variant Classification Sherloc (09022015). Collection method: clinical testing. Allele origin: germline.
Comment: This sequence change replaces valine, which is neutral and non-polar, with methionine, which is neutral and non-polar, at codon 677 of the LRSAM1 protein (p.Val677Met). This variant is present in population databases (rs377491843, gnomAD 0.003%). This variant has not been reported in the literature in individuals affected with LRSAM1-related conditions. Advanced modeling of protein sequence and biophysical properties (such as structural, functional, and spatial information, amino acid conservation, physicochemical variation, residue mobility, and thermodynamic stability) performed at Invitae indicates that this missense variant is expected to disrupt LRSAM1 protein function with a positive predictive value of 80%. In summary, the available evidence is currently insufficient to determine the role of this variant in disease. Therefore, it has been classified as a Variant of Uncertain Significance.

NM_001005373.4(LRSAM1):c.2029G>A (p.Val677Met)

Gene: LRSAM1 (leucine rich repeat and sterile alpha motif containing 1; plus strand). Cytogenetic location: 9q34.11.
Variant type: single nucleotide variant.
Coding change: c.2029G>A on transcript NM_001005373.4 (MANE Select); coding-DNA position 2029, G replaced by A.
Protein change: p.Val677Met; replaces valine 677 with methionine.
Molecular consequence: missense variant. On other transcripts: non-coding transcript variant (2).
Genome position (GRCh38, 1-based): chr9:127,501,126, G>A. VCF-style: chr9-127501126-G-A. GRCh37 (hg19) VCF-style: chr9-130263405-G-A.
Other names: c.2029G>A, p.Val677Met (NM_001005374.4, NM_001384142.1, NM_138361.5); c.1948G>A, p.Val650Met (NM_001190723.3); c.1930G>A, p.Val644Met (NM_001384143.1); c.1240G>A, p.Val414Met (NM_001384144.1); short protein forms V644M, V414M, V650M, V677M.
Identifiers: ClinVar variation 3015148 (VCV003015148.3), dbSNP rs377491843, ClinGen allele CA5247230.